The following is an entry in ClinVar:

ClinVar aggregate classification (germline): Likely benign (1 of 4 stars; one submission).

Conditions:
Familial cancer of breast. Also called: BREAST CANCER, FAMILIAL; Hereditary breast cancer; hereditary breast carcinoma. Identifiers: Orphanet 227535, MedGen C0346153, MONDO:0016419, OMIM 114480. Disease mechanism: loss of function.

Submission:

Myriad Genetics, Inc.
Classification: Likely benign for Familial cancer of breast. Last evaluated: 2024-05-07. Review status: criteria provided, single submitter. Criteria: Myriad Autosomal Dominant, Autosomal Recessive and X-Linked Classification Criteria (2023). Collection method: clinical testing. Allele origin: unknown.
Comment: This variant is considered likely benign. This variant is intronic and is not expected to impact mRNA splicing.

NM_000051.4(ATM):c.2125-13G>T

Gene: ATM (ATM serine/threonine kinase; plus strand). Cytogenetic location: 11q22.3.
Variant type: single nucleotide variant.
Coding change: c.2125-13G>T on transcript NM_000051.4 (MANE Select); 13 bases into the intron before coding-DNA position 2125, G replaced by T.
Molecular consequence: intron variant.
Genome position (GRCh38, 1-based): chr11:108,256,202, G>T. VCF-style: chr11-108256202-G-T. GRCh37 (hg19) VCF-style: chr11-108126929-G-T.
Other names: c.2125-13G>T (NM_001351834.2).
Identifiers: ClinVar variation 3254179 (VCV003254179.1), dbSNP rs2135391648.